The following is an entry in ClinVar:

ClinVar aggregate classification (germline): Likely benign (1 of 4 stars; one submission).

Allele frequency attached by ClinVar (database versions not stated): 1000 Genomes Project 0.00060; 1000 Genomes Project 30x 0.00062.
gnomAD v4.1: 453 of 1,614,008 alleles (0.028%); highest among the groups gnomAD compares: Admixed American, 0.062%; no homozygotes.

Submission:

CeGaT Center for Human Genetics Tuebingen
Classification: Likely benign. Last evaluated: 2023-01-01. Review status: criteria provided, single submitter. Criteria: CeGaT Center For Human Genetics Tuebingen Variant Classification Criteria Version 2. Collection method: clinical testing. Allele origin: germline. Affected: yes. Observed: 1 variant allele.
Comment: IQGAP1: BP4, BP7

NM_003870.4(IQGAP1):c.4077G>A (p.Thr1359=)

Gene: IQGAP1 (IQ motif containing GTPase activating protein 1; plus strand). Cytogenetic location: 15q26.1.
Variant type: single nucleotide variant.
Coding change: c.4077G>A on transcript NM_003870.4 (MANE Select); coding-DNA position 4077, G replaced by A.
Protein change: p.Thr1359=; no amino-acid change (threonine 1359 retained).
Molecular consequence: synonymous variant.
Genome position (GRCh38, 1-based): chr15:90,487,006, G>A. VCF-style: chr15-90487006-G-A. GRCh37 (hg19) VCF-style: chr15-91030238-G-A.
Identifiers: ClinVar variation 2645707 (VCV002645707.24), dbSNP rs138905294, ClinGen allele CA7737268.